The following is an entry in ClinVar:

NM_015570.4(AUTS2):c.1983CCA[2] (p.His663del)

Gene: AUTS2 (activator of transcription and developmental regulator AUTS2; plus strand). Cytogenetic location: 7q11.22.
Variant type: Microsatellite.
Coding change: c.1983CCA[2] on transcript NM_015570.4 (MANE Select); two copies in a row of the 3-base unit CCA starting at c.1983; the reference has three copies in a row; one copy, 3 bases deleted.
Protein change: p.His663del; deletes histidine 663.
Molecular consequence: inframe deletion.
Genome position (GRCh38, 1-based): chr7:70,777,159-70,777,161, CCA deleted; deleting any 3 consecutive bases within chr7:70,777,152-70,777,161 gives the same sequence; the position shown is the placement nearest the transcript's 3' end. VCF-style (leftmost placement, unchanged base first): chr7-70777151-TACC-T. GRCh37 (hg19) VCF-style: chr7-70242137-TACC-T.
Other names: c.1911CCA[2], p.His639del (NM_001127231.3); short protein forms H639del, H663del.
Identifiers: ClinVar variation 2579592 (VCV002579592.2), dbSNP rs2484803391, ClinGen allele CA2580617853.

ClinVar aggregate classification (germline): Uncertain significance (1 of 4 stars; one submission).

Submission:

GeneDx
Classification: Uncertain significance. Last evaluated: 2024-04-02. Review status: criteria provided, single submitter. Criteria: GeneDx Variant Classification Process June 2021. Collection method: clinical testing. Allele origin: germline. Affected: yes.
Comment: Not observed at significant frequency in large population cohorts (gnomAD); In-frame deletion of 1 amino acid in a non-repeat region; In silico analysis supports a deleterious effect on protein structure/function; Has not been previously published as pathogenic or benign to our knowledge